The following is an entry in ClinVar:

ClinVar aggregate classification (germline): Uncertain significance (1 of 4 stars; one submission).

Conditions:
Cardiovascular phenotype. Identifiers: MedGen CN230736.

Allele frequency attached by ClinVar (database versions not stated): TOPMed 0.00001; ExAC 0.00002; gnomAD 0.00002.
gnomAD v4.1: 5 of 1,587,106 alleles (0.00032%); highest among the groups gnomAD compares: African/African-American, 0.0067%; no homozygotes.

Submission:

Ambry Genetics
Classification: Uncertain significance for Cardiovascular phenotype. Last evaluated: 2023-01-20. Review status: criteria provided, single submitter. Criteria: Ambry Variant Classification Scheme 2023. Collection method: clinical testing. Allele origin: germline.
Comment: The p.R480P variant (also known as c.1439G>C), located in coding exon 2 of the TNXB gene, results from a G to C substitution at nucleotide position 1439. The arginine at codon 480 is replaced by proline, an amino acid with dissimilar properties. This amino acid position is conserved. In addition, the in silico prediction for this alteration is inconclusive. Since supporting evidence is limited at this time, the clinical significance of this alteration remains unclear.

NM_001365276.2(TNXB):c.1439G>C (p.Arg480Pro)

Gene: TNXB (tenascin XB; minus strand). Cytogenetic location: 6p21.33.
Variant type: single nucleotide variant.
Coding change: c.1439G>C on transcript NM_001365276.2 (MANE Select); coding-DNA position 1439, G replaced by C.
Protein change: p.Arg480Pro; replaces arginine 480 with proline.
Molecular consequence: missense variant.
Genome position (GRCh38, 1-based): chr6:32,096,414, C>G on the plus strand (G>C on the coding strand, the complement: TNXB is on the minus strand). VCF-style: chr6-32096414-C-G. GRCh37 (hg19) VCF-style: chr6-32064191-C-G.
Other names: c.1439G>C, p.Arg480Pro (NM_019105.8); short protein forms R480P.
Identifiers: ClinVar variation 2451161 (VCV002451161.2), dbSNP rs767248359, ClinGen allele CA3735679.